The following is an entry in ClinVar:

ClinVar aggregate classification (germline): Uncertain significance. Review status: criteria provided, multiple submitters, no conflicts (2 of 4 stars). 4 submissions from 3 submitters: Uncertain significance (4). Last evaluated 2023-02-08.

Conditions:
Inborn genetic diseases. Identifiers: MedGen C0950123, MeSH D030342.
Familial cutaneous telangiectasia and oropharyngeal predisposition cancer syndrome. Identifiers: Orphanet 313846, MedGen C3281203, MONDO:0013806, OMIM 614564.
Seckel syndrome 1 (SCKL1). Also called: MICROCEPHALIC PRIMORDIAL DWARFISM I. Identifiers: Orphanet 808, MedGen C4551474, MONDO:0008869, OMIM 210600.

Allele frequency attached by ClinVar (database versions not stated): gnomAD exomes below 0.00001.
gnomAD v4.1: 3 of 1,613,974 alleles (0.00019%); highest among the groups gnomAD compares: Non-Finnish European, 0.00025%; no homozygotes.

Submissions (4):

Genome-Nilou Lab
Classification: Uncertain significance for Seckel syndrome 1. Last evaluated: 2023-02-08. Review status: criteria provided, single submitter. Criteria: ACMG Guidelines, 2015. Collection method: clinical testing. Allele origin: germline.

Genome-Nilou Lab
Classification: Uncertain significance for Familial cutaneous telangiectasia and oropharyngeal predisposition cancer syndrome. Last evaluated: 2023-02-08. Review status: criteria provided, single submitter. Criteria: ACMG Guidelines, 2015. Collection method: clinical testing. Allele origin: germline.

Labcorp Genetics (formerly Invitae), Labcorp
Classification: Uncertain significance. Last evaluated: 2022-10-24. Review status: criteria provided, single submitter. Criteria: Invitae Variant Classification Sherloc (09022015). Collection method: clinical testing. Allele origin: germline.
Comment: This sequence change replaces asparagine, which is neutral and polar, with serine, which is neutral and polar, at codon 1092 of the ATR protein (p.Asn1092Ser). This variant is not present in population databases (gnomAD no frequency). This variant has not been reported in the literature in individuals affected with ATR-related conditions. ClinVar contains an entry for this variant (Variation ID: 1481818). Algorithms developed to predict the effect of missense changes on protein structure and function (SIFT, PolyPhen-2, Align-GVGD) all suggest that this variant is likely to be tolerated. Algorithms developed to predict the effect of sequence changes on RNA splicing suggest that this variant may disrupt the consensus splice site. In summary, the available evidence is currently insufficient to determine the role of this variant in disease. Therefore, it has been classified as a Variant of Uncertain Significance.

Ambry Genetics
Classification: Uncertain significance for Inborn genetic diseases. Last evaluated: 2022-04-06. Review status: criteria provided, single submitter. Criteria: Ambry Variant Classification Scheme 2023. Collection method: clinical testing. Allele origin: germline.
Comment: The p.N1092S variant (also known as c.3275A>G), located in coding exon 16 of the ATR gene, results from an A to G substitution at nucleotide position 3275. The asparagine at codon 1092 is replaced by serine, an amino acid with highly similar properties. This amino acid position is conserved. In addition, this alteration is predicted to be tolerated by in silico analysis. Since supporting evidence is limited at this time, the clinical significance of this alteration remains unclear.

NM_001184.4(ATR):c.3275A>G (p.Asn1092Ser)

Gene: ATR (ATR checkpoint kinase; minus strand). Cytogenetic location: 3q23.
Variant type: single nucleotide variant.
Coding change: c.3275A>G on transcript NM_001184.4 (MANE Select); coding-DNA position 3275, A replaced by G.
Protein change: p.Asn1092Ser; replaces asparagine 1092 with serine.
Molecular consequence: missense variant.
Genome position (GRCh38, 1-based): chr3:142,547,807, T>C on the plus strand (A>G on the coding strand, the complement: ATR is on the minus strand). VCF-style: chr3-142547807-T-C. GRCh37 (hg19) VCF-style: chr3-142266649-T-C.
Other names: c.3083A>G, p.Asn1028Ser (NM_001354579.2); short protein forms N1092S, N1028S.
Identifiers: ClinVar variation 1481818 (VCV001481818.11), dbSNP rs2034328286, ClinGen allele CA354810630.